The following is an entry in ClinVar:

ClinVar aggregate classification (germline): Likely pathogenic. Review status: criteria provided, multiple submitters, no conflicts (2 of 4 stars). 3 submissions from 3 submitters: Likely pathogenic (3). Last evaluated 2024-06-04.

Conditions:
MYO15A-related disorder. Also called: MYO15A-related condition.
Autosomal recessive nonsyndromic hearing loss 3. Also called: NEUROSENSORY NONSYNDROMIC RECESSIVE DEAFNESS 3. Identifiers: Orphanet 90636, MedGen C1838263, MONDO:0010860, OMIM 600316.

Submissions (3):

Blueprint Genetics
Classification: Likely pathogenic for MYO15A-related disorders. Last evaluated: 2024-06-04. Review status: criteria provided, single submitter. Criteria: ACMG Guidelines, 2015. Collection method: clinical testing. Allele origin: germline. Affected: yes. Observed: 2 variant alleles.

3billion
Classification: Likely pathogenic for Autosomal recessive nonsyndromic hearing loss 3. Last evaluated: 2022-01-03. Review status: criteria provided, single submitter. Criteria: ACMG Guidelines, 2015. Collection method: clinical testing. Allele origin: germline. Affected: yes. Observed: 1 homozygote.
Comment: Frameshift: predicted to result in a loss or disruption of normal protein function through nonsense-mediated decay (NMD) or protein truncation. Multiple pathogenic variants are reported downstream of the variant (PVS1_VS). It is not observed in the gnomAD v2.1.1 dataset (PM2_M). Therefore, this variant is classified as likely pathogenic according to the recommendation of ACMG/AMP guideline.

Fulgent Genetics
Classification: Likely pathogenic for Autosomal recessive nonsyndromic hearing loss 3. Last evaluated: 2021-11-30. Review status: criteria provided, single submitter. Criteria: ACMG Guidelines, 2015. Collection method: clinical testing. Allele origin: unknown.

NM_016239.4(MYO15A):c.6864_6874del (p.Asp2289fs)

Gene: MYO15A (myosin XVA; plus strand). Cytogenetic location: 17p11.2.
Variant type: Deletion.
Coding change: c.6864_6874del on transcript NM_016239.4 (MANE Select); coding-DNA positions 6864 to 6874, 11 bases deleted (GGACCTGGAGC).
Protein change: p.Asp2289fs; shifts the reading frame from aspartic acid 2289.
Molecular consequence: frameshift variant.
Genome position (GRCh38, 1-based): chr17:18,148,860-18,148,870, GGACCTGGAGC deleted; deleting any 11 consecutive bases within chr17:18,148,859-18,148,870 gives the same sequence; the c. name uses the placement nearest the transcript's 3' end. VCF-style (leftmost placement, unchanged base first): chr17-18148858-TCGGACCTGGAG-T. GRCh37 (hg19) VCF-style: chr17-18052172-TCGGACCTGGAG-T.
Other names: short protein forms D2289fs.
Identifiers: ClinVar variation 1333531 (VCV001333531.3), dbSNP rs2142363190, ClinGen allele CA2573054354.